The following is an entry in ClinVar:

ClinVar aggregate classification (germline): Uncertain significance (1 of 4 stars; one submission).

Conditions:
Familial hemophagocytic lymphohistiocytosis 3 (FHL3). Also called: UNC13D-Related Familial Hemophagocytic Lymphohistiocytosis (UNC13D-fHLH). Identifiers: Orphanet 540, MedGen C1837174, MONDO:0012146, OMIM 608898.

Allele frequency attached by ClinVar (database versions not stated): TOPMed below 0.00001; ExAC 0.00001; gnomAD exomes 0.00001.
gnomAD v4.1: 15 of 1,608,522 alleles (0.00093%); highest among the groups gnomAD compares: Admixed American, 0.005%; no homozygotes.

Submission:

Labcorp Genetics (formerly Invitae), Labcorp
Classification: Uncertain significance for Familial hemophagocytic lymphohistiocytosis 3. Last evaluated: 2022-10-25. Review status: criteria provided, single submitter. Criteria: Invitae Variant Classification Sherloc (09022015). Collection method: clinical testing. Allele origin: germline.
Comment: This sequence change replaces glutamic acid, which is acidic and polar, with lysine, which is basic and polar, at codon 57 of the UNC13D protein (p.Glu57Lys). This variant is present in population databases (rs767617631, gnomAD 0.003%). This missense change has been observed in individual(s) with clinical features of hemophagocytic lymphohistiocytosis (PMID: 30899265). ClinVar contains an entry for this variant (Variation ID: 837554). Advanced modeling of protein sequence and biophysical properties (such as structural, functional, and spatial information, amino acid conservation, physicochemical variation, residue mobility, and thermodynamic stability) performed at Invitae indicates that this missense variant is not expected to disrupt UNC13D protein function. Algorithms developed to predict the effect of sequence changes on RNA splicing suggest that this variant may create or strengthen a splice site. In summary, the available evidence is currently insufficient to determine the role of this variant in disease. Therefore, it has been classified as a Variant of Uncertain Significance.

Literature cited by the submitters: PubMed 30899265.

NM_199242.3(UNC13D):c.169G>A (p.Glu57Lys)

Gene: UNC13D (unc-13 homolog D; minus strand). Cytogenetic location: 17q25.1.
Variant type: single nucleotide variant.
Coding change: c.169G>A on transcript NM_199242.3 (MANE Select); coding-DNA position 169, G replaced by A.
Protein change: p.Glu57Lys; replaces glutamic acid 57 with lysine.
Molecular consequence: missense variant.
Genome position (GRCh38, 1-based): chr17:75,843,251, C>T on the plus strand (G>A on the coding strand, the complement: UNC13D is on the minus strand). VCF-style: chr17-75843251-C-T. GRCh37 (hg19) VCF-style: chr17-73839332-C-T.
Other names: short protein forms E57K.
Identifiers: ClinVar variation 837554 (VCV000837554.5), dbSNP rs767617631, ClinGen allele CA8773591.
Genomic context (GRCh38, chr17:75,843,251, plus strand): 5'-CCGTCACATGGTTGGGCTCAGGATGACCCAGGCGGTGCAAGACAGTGTAGAGTGCGTCCT[C>T]GTAGAGCAGGGCCCGCTAAGACACACGGGGTCACCTTGGGGACCCCACCAGCCACCCCTG-3'
Protein context (NP_954712.1, residues 47-67): FSPEQRALLY[Glu57Lys]DALYTVLHRL